The following is an entry in ClinVar:

NM_001134363.3(RBM20):c.3265C>T (p.Pro1089Ser)

Gene: RBM20 (RNA binding motif protein 20; plus strand). Cytogenetic location: 10q25.2.
Variant type: single nucleotide variant.
Coding change: c.3265C>T on transcript NM_001134363.3 (MANE Select); coding-DNA position 3265, C replaced by T.
Protein change: p.Pro1089Ser; replaces proline 1089 with serine.
Molecular consequence: missense variant.
Genome position (GRCh38, 1-based): chr10:110,821,884, C>T. VCF-style: chr10-110821884-C-T. GRCh37 (hg19) VCF-style: chr10-112581642-C-T.
Other names: short protein forms P1089S.
Identifiers: ClinVar variation 1515979 (VCV001515979.7), dbSNP rs147356378, ClinGen allele CA378382332.
Genomic context (GRCh38, chr10:110,821,884, plus strand): 5'-AGGGGGACCCCCGAAGATGGGGCTTGTGAAGGCAGCCCCCTGGAGGAGAAAGCCAGCCCC[C>T]CCATCGAAACTGACCTCCAAAACCAAGCTTGCCAAGAAGTGTTGACCCCGGGTAACTATC-3'
Protein context (NP_001127835.2, residues 1079-1099): GSPLEEKASP[Pro1089Ser]IETDLQNQAC

ClinVar aggregate classification (germline): Uncertain significance (1 of 4 stars; one submission).

Conditions:
Dilated cardiomyopathy 1DD (CMD1DD). Identifiers: Orphanet 154, MedGen C2750995, MONDO:0013168, OMIM 613172.

Submission:

Labcorp Genetics (formerly Invitae), Labcorp
Classification: Uncertain significance for Dilated cardiomyopathy 1DD. Last evaluated: 2021-03-11. Review status: criteria provided, single submitter. Criteria: Invitae Variant Classification Sherloc (09022015). Collection method: clinical testing. Allele origin: germline.
Comment: This sequence change replaces proline with serine at codon 1089 of the RBM20 protein (p.Pro1089Ser). The proline residue is moderately conserved and there is a moderate physicochemical difference between proline and serine. This variant is not present in population databases (ExAC no frequency). This variant has not been reported in the literature in individuals with RBM20-related conditions. Advanced modeling of protein sequence and biophysical properties (such as structural, functional, and spatial information, amino acid conservation, physicochemical variation, residue mobility, and thermodynamic stability) performed at Invitae indicates that this missense variant is not expected to disrupt RBM20 protein function. In summary, the available evidence is currently insufficient to determine the role of this variant in disease. Therefore, it has been classified as a Variant of Uncertain Significance.